The following is an entry in ClinVar:

ClinVar aggregate classification (germline): Likely pathogenic. Review status: criteria provided, multiple submitters, no conflicts (2 of 4 stars). 2 submissions from 2 submitters: Likely pathogenic (2). Last evaluated 2025-10-04.

Conditions:
Neurooculorenal syndrome (NORS). Identifiers: MedGen C5830377, MONDO:0957210, OMIM 620305.

gnomAD v4.1: 1 of 1,605,810 alleles (0.000062%); highest among the groups gnomAD compares: African/African-American, 0.0013%; no homozygotes.

Submissions (2):

Dasa
Classification: Likely pathogenic for Neurooculorenal syndrome. Last evaluated: 2025-10-04. Review status: criteria provided, single submitter. Criteria: DASA Assertion Criteria. Collection method: clinical testing. Allele origin: germline.
Comment: NM_002941.4(ROBO1):c.2320+1G>A affects a canonical splice site and is predicted to disrupt normal RNA splicing. Loss of function is an established disease mechanism for ROBO1-associated disorders. Also, this variant is rare in population databases. Based on the currently available evidence, this variant is classified as likely pathogenic.

GeneDx
Classification: Likely pathogenic. Last evaluated: 2025-08-18. Review status: criteria provided, single submitter. Criteria: GeneDx Variant Classification Process June 2021. Collection method: clinical testing. Allele origin: germline. Affected: yes.
Comment: Canonical splice site variant predicted to result in a null allele in a gene for which loss of function is a known mechanism of disease; Not observed at significant frequency in large population cohorts (gnomAD); Has not been previously published as pathogenic or benign to our knowledge

NM_002941.4(ROBO1):c.2320+1G>A

Gene: ROBO1 (roundabout guidance receptor 1; minus strand). Cytogenetic location: 3p12.3.
Variant type: single nucleotide variant.
Coding change: c.2320+1G>A on transcript NM_002941.4 (MANE Select); the canonical splice donor site of the intron after coding-DNA position 2320, G replaced by A.
Molecular consequence: splice donor variant.
Genome position (GRCh38, 1-based): chr3:78,661,029, C>T on the plus strand (G>A on the coding strand, the complement: ROBO1 is on the minus strand). VCF-style: chr3-78661029-C-T. GRCh37 (hg19) VCF-style: chr3-78710179-C-T.
Other names: c.2212+1G>A (NM_001145845.2, NM_133631.4).
Identifiers: ClinVar variation 4796661 (VCV004796661.3).